The following is an entry in ClinVar:

NM_001035.3(RYR2):c.7966-20del

Gene: RYR2 (ryanodine receptor 2; plus strand). Cytogenetic location: 1q43.
Variant type: Deletion.
Coding change: c.7966-20del on transcript NM_001035.3 (MANE Select); 20 bases into the intron before coding-DNA position 7966, one base deleted (T; older notation c.7966-20delT).
Molecular consequence: intron variant.
Genome position (GRCh38, 1-based): chr1:237,655,801, T deleted; the last of 11 consecutive T bases (chr1:237,655,791-237,655,801); deleting any one gives the same sequence. VCF-style (leftmost placement, unchanged base first): chr1-237655790-AT-A. GRCh37 (hg19) VCF-style: chr1-237819090-AT-A.
Other names: c.7966-20delT (NM_001035.2).
Identifiers: ClinVar variation 201177 (VCV000201177.1), dbSNP rs752921347, ClinGen allele CA010808.

ClinVar aggregate classification (germline): Benign (1 of 4 stars; one submission).

Submission:

GeneDx
Classification: Benign. Last evaluated: 2013-04-08. Review status: criteria provided, single submitter. Criteria: GeneDx Variant Classification (06012015). Collection method: clinical testing. Allele origin: germline. Affected: yes.
Comment: The variant is found in ARVC panel(s).